The following is an entry in ClinVar:

ClinVar aggregate classification (germline): Uncertain significance. Review status: criteria provided, multiple submitters, no conflicts (2 of 4 stars). 4 submissions from 4 submitters: Uncertain significance (4). Last evaluated 2026-03-24.

Conditions:
Familial thoracic aortic aneurysm and aortic dissection (TAAD). Also called: Thoracic aortic aneurysms and dissections. Identifiers: Orphanet 91387, MedGen C4707243, MONDO:0019625.
Ehlers-Danlos syndrome, classic type, 1 (EDSCL1). Also called: EHLERS-DANLOS SYNDROME, GRAVIS TYPE; EHLERS-DANLOS SYNDROME, SEVERE CLASSIC TYPE; Ehlers-Danlos syndrome, type 1; Ehlers-Danlos Syndrome, Classic Type, COL5A1-Related; EDS I. Identifiers: MedGen C0268335, MONDO:0019567, OMIM 130000.

Allele frequency attached by ClinVar (database versions not stated): TOPMed 0.00002; gnomAD 0.00002; gnomAD exomes 0.00001.
gnomAD v4.1: 11 of 1,559,416 alleles (0.00071%); highest among the groups gnomAD compares: Admixed American, 0.0077%; no homozygotes.

Submissions (4):

Women's Health and Genetics/Laboratory Corporation of America, LabCorp
Classification: Uncertain significance. Last evaluated: 2026-03-24. Review status: criteria provided, single submitter. Criteria: LabCorp Variant Classification Summary - May 2015. Collection method: clinical testing. Allele origin: germline.
Comment: Variant summary: COL5A1 c.3852+3G>A alters a conserved nucleotide located close to a canonical splice site and therefore could affect mRNA splicing, leading to a significantly altered protein sequence. Consensus agreement among computation tools predict no significant impact on normal splicing. However, these predictions have yet to be confirmed by functional studies. The variant allele was found at a frequency of 1.1e-05 in 174708 control chromosomes. The available data on variant occurrences in the general population are insufficient to allow any conclusion about variant significance. To our knowledge, no occurrence of c.3852+3G>A in individuals affected with COL5A1-related conditions and no experimental evidence demonstrating its impact on protein function have been reported. ClinVar contains an entry for this variant (Variation ID: 1418334). Based on the evidence outlined above, the variant was classified as uncertain significance.

Labcorp Genetics (formerly Invitae), Labcorp
Classification: Uncertain significance for Ehlers-Danlos syndrome, classic type, 1. Last evaluated: 2025-11-20. Review status: criteria provided, single submitter. Criteria: Invitae Variant Classification Sherloc (09022015). Collection method: clinical testing. Allele origin: germline.
Comment: This sequence change falls in intron 48 of the COL5A1 gene. It does not directly change the encoded amino acid sequence of the COL5A1 protein. It affects a nucleotide within the consensus splice site. The frequency data for this variant in the population databases is considered unreliable, as metrics indicate poor data quality at this position in the gnomAD database. This variant has not been reported in the literature in individuals affected with COL5A1-related conditions. ClinVar contains an entry for this variant (Variation ID: 1418334). Variants that disrupt the consensus splice site are a relatively common cause of aberrant splicing (PMID: 17576681, 9536098). Algorithms developed to predict the effect of sequence changes on RNA splicing suggest that this variant is not likely to affect RNA splicing. In summary, the available evidence is currently insufficient to determine the role of this variant in disease. Therefore, it has been classified as a Variant of Uncertain Significance.

Mayo Clinic Laboratories, Mayo Clinic
Classification: Uncertain significance. Last evaluated: 2025-02-13. Review status: criteria provided, single submitter. Criteria: ACMG Guidelines, 2015. Collection method: clinical testing. Allele origin: germline. Observed: 1 variant allele.
Comment: BP4, PM2_supporting

Ambry Genetics
Classification: Uncertain significance for Familial thoracic aortic aneurysm and aortic dissection. Last evaluated: 2024-11-27. Review status: criteria provided, single submitter. Criteria: Ambry Variant Classification Scheme 2023. Collection method: clinical testing. Allele origin: germline.
Comment: The c.3852+3G>A intronic variant results from a G to A substitution 3 nucleotides after coding exon 48 in the COL5A1 gene. This nucleotide position is not well conserved in available vertebrate species. In silico splice site analysis predicts that this alteration will not have any significant effect on splicing. Based on the available evidence, the clinical significance of this variant remains unclear.

Literature cited by the submitters: PubMed 17576681 (cited by Labcorp Genetics (formerly Invitae), Labcorp); PubMed 9536098 (cited by Labcorp Genetics (formerly Invitae), Labcorp).

NM_000093.5(COL5A1):c.3852+3G>A

Gene: COL5A1 (collagen type V alpha 1 chain; plus strand). Cytogenetic location: 9q34.3.
Variant type: single nucleotide variant.
Coding change: c.3852+3G>A on transcript NM_000093.5 (MANE Select); 3 bases into the intron after coding-DNA position 3852, G replaced by A.
Molecular consequence: intron variant.
Genome position (GRCh38, 1-based): chr9:134,812,715, G>A. VCF-style: chr9-134812715-G-A. GRCh37 (hg19) VCF-style: chr9-137704561-G-A.
Other names: p.?; c.3852+3G>A (NM_000093.3, NM_001278074.1).
Identifiers: ClinVar variation 1418334 (VCV001418334.9), dbSNP rs1220391738, ClinGen allele CA591108623.